The following is an entry in ClinVar:

NM_007294.4(BRCA1):c.5502_5503dup (p.Arg1835fs)

Gene: BRCA1 (BRCA1 DNA repair associated; minus strand). Cytogenetic location: 17q21.31.
Variant type: Duplication.
Coding change: c.5502_5503dup on transcript NM_007294.4 (MANE Select); coding-DNA positions 5502 to 5503, 2 bases duplicated (CC; older notation c.5502_5503dupCC).
Protein change: p.Arg1835fs; shifts the reading frame from arginine 1835.
Molecular consequence: frameshift variant. On other transcripts: 3 prime UTR variant (1), non-coding transcript variant (1).
Genome position (GRCh38, 1-based): chr17:43,045,767-43,045,768, GG duplicated on the plus strand (CC on the coding strand, the reverse complement: BRCA1 is on the minus strand); duplicating any 2 consecutive bases within chr17:43,045,767-43,045,769 gives the same sequence; the c. name uses the placement nearest the transcript's 3' end. VCF-style (leftmost placement, unchanged base first): chr17-43045766-C-CGG. GRCh37 (hg19) VCF-style: chr17-41197783-C-CGG.
Other names: 5620insCC; c.5502_5503dup, p.Arg1835fs (NM_007294.3); c.5357_5358dup, p.Arg1787Profs (NM_001407746.1, NM_001407747.1, NM_001407748.1 and 18 more transcripts); c.5354_5355dup, p.Arg1786Profs (NM_001407838.1, NM_001407839.1, NM_001407841.1 and 12 more transcripts); c.*15_*16dup (NM_001407854.1, NM_001407858.1, NM_001407859.1 and 13 more transcripts); c.5300_5301dup, p.Arg1768Profs (NM_001407862.1); c.5297_5298dup, p.Arg1767Profs (NM_001407863.1); c.5294_5295dup, p.Arg1766Profs (NM_001407874.1, NM_001407875.1); and 79 more; short protein forms R1788fs, R731fs, R1835fs, R1856fs.
Identifiers: ClinVar variation 266556 (VCV000266556.7), dbSNP rs397509291, ClinGen allele CA10589588.

ClinVar aggregate classification (germline): Pathogenic. Review status: reviewed by expert panel (3 of 4 stars). 3 submissions from 3 submitters: Pathogenic (1). 2 of the submissions do not count toward it. Last evaluated 2016-10-18.

Conditions:
Breast-ovarian cancer, familial, susceptibility to, 1 (BROVCA1). Also called: BRCA1 Hereditary Breast and Ovarian Cancer; OVARIAN CANCER, SUSCEPTIBILITY TO. Identifiers: Orphanet 145, MedGen C2676676, MONDO:0011450, OMIM 604370. Disease mechanism: loss of function.

Submissions (3):

Evidence-based Network for the Interpretation of Germline Mutant Alleles (ENIGMA)
Classification: Pathogenic for Breast-ovarian cancer, familial, susceptibility to, 1. Last evaluated: 2016-10-18. Review status: reviewed by expert panel. Criteria: ENIGMA BRCA1/2 Classification Criteria (2015). Collection method: curation. Allele origin: germline.
Comment: Variant allele predicted to encode a truncated non-functional protein.

Baylor Genetics
Classification: Likely pathogenic for Breast-ovarian cancer, familial, susceptibility to, 1. Last evaluated: 2020-12-29. Review status: criteria provided, single submitter. Criteria: ACMG Guidelines, 2015. Collection method: clinical testing. Allele origin: unknown. Not counted in ClinVar's aggregate classification.

Consortium of Investigators of Modifiers of BRCA1/2 (CIMBA), c/o University of Cambridge
Classification: Pathogenic for Breast-ovarian cancer, familial, susceptibility to, 1. Last evaluated: 2015-10-02. Review status: criteria provided, single submitter. Criteria: CIMBA Mutation Classification guidelines May 2016. Collection method: clinical testing. Allele origin: germline. Not counted in ClinVar's aggregate classification.